The following is an entry in ClinVar:

ClinVar aggregate classification (germline): Likely benign. Review status: criteria provided, multiple submitters, no conflicts (2 of 4 stars). 3 submissions from 3 submitters: Likely benign (2). 1 of the submissions does not count toward it. Last evaluated 2025-02-21.

Conditions:
Inborn genetic diseases. Identifiers: MedGen C0950123, MeSH D030342.
SAMD9-related disorder. Also called: SAMD9-related condition.

Allele frequency attached by ClinVar (database versions not stated): ExAC 0.00001; gnomAD 0.00002; ESP Exome Variant Server 0.00008.

Submissions (3):

Ambry Genetics
Classification: Likely benign for Inborn genetic diseases. Last evaluated: 2025-02-21. Review status: criteria provided, single submitter. Criteria: Ambry Variant Classification Scheme 2023. Collection method: clinical testing. Allele origin: germline.

Labcorp Genetics (formerly Invitae), Labcorp
Classification: Likely benign. Last evaluated: 2023-08-21. Review status: criteria provided, single submitter. Criteria: Invitae Variant Classification Sherloc (09022015). Collection method: clinical testing. Allele origin: germline.

PreventionGenetics, part of Exact Sciences
Classification: Likely benign for SAMD9-related condition. Last evaluated: 2022-03-17. Review status: no assertion criteria provided. Collection method: clinical testing. Allele origin: germline. Not counted in ClinVar's aggregate classification.
Comment: This variant is classified as likely benign based on ACMG/AMP sequence variant interpretation guidelines (Richards et al. 2015 PMID: 25741868, with internal and published modifications).

NM_017654.4(SAMD9):c.30T>C (p.Asn10=)

Gene: SAMD9 (sterile alpha motif domain containing 9; minus strand). Cytogenetic location: 7q21.2.
Variant type: single nucleotide variant.
Coding change: c.30T>C on transcript NM_017654.4 (MANE Select); coding-DNA position 30, T replaced by C.
Protein change: p.Asn10=; no amino-acid change (asparagine 10 retained).
Molecular consequence: synonymous variant.
Genome position (GRCh38, 1-based): chr7:93,106,068, A>G on the plus strand (T>C on the coding strand, the complement: SAMD9 is on the minus strand). VCF-style: chr7-93106068-A-G. GRCh37 (hg19) VCF-style: chr7-92735381-A-G.
Other names: c.30T>C (NM_017654.3); c.30T>C, p.Asn10= (NM_001193307.2).
Identifiers: ClinVar variation 1666994 (VCV001666994.11), dbSNP rs375209400, ClinGen allele CA4343235.